The following is an entry in ClinVar:

ClinVar aggregate classification (germline): Likely pathogenic. Review status: reviewed by expert panel (3 of 4 stars). 17 submissions from 17 submitters: Likely pathogenic (1). 16 of the submissions do not count toward it. Last evaluated 2025-03-25.

Conditions:
ACADVL-related disorder. Also called: ACADVL-related condition.
Very long chain acyl-CoA dehydrogenase deficiency (ACADVLD). Also called: Very Long-Chain Acyl-Coenzyme A Dehydrogenase Deficiency; VLCAD Deficiency. Identifiers: Orphanet 26793, MedGen C3887523, MONDO:0008723, OMIM 201475.

Allele frequency attached by ClinVar (database versions not stated): gnomAD 0.00002 and 0.00003; TOPMed 0.00004.
gnomAD v4.1: 23 of 1,613,734 alleles (0.0014%); highest among the groups gnomAD compares: African/African-American, 0.0067%; no homozygotes.

Submissions 1 to 9 of 17:

ClinGen ACADVL Variant Curation Expert Panel, ClinGen
Classification: Likely pathogenic for Very long chain acyl-CoA dehydrogenase deficiency. Last evaluated: 2025-03-25. Review status: reviewed by expert panel. Criteria: clingen acadvl acmg specifications v1. Collection method: curation. Allele origin: germline. Inheritance: Autosomal recessive inheritance.
Comment: The NM_000018.4 c.1096C>T p.(Arg366Cys) in ACADVL is a missense variant predicted to cause substitution of arginine by cysteine at amino acid 366. It has also been reported in the literature as p.Arg326Cys. The highest population minor allele frequency in gnomAD v2.1.1 is 0.00006152 in African/African American population, which is lower than the ClinGen ACADVL Variant Curation Expert Panel threshold (<0.001) for PM2_Supporting, meeting this criterion (PM2_Supporting). It has been reported in patients with very long chain acyl-CoA dehydrogenase (VLCAD) deficiency or increased C14:1 acylcarnitine levels (PP4_Moderate; PMID: 32793418, 8845838). At least one individual with this variant was identified with VLCADD clinical phenotype, who also carried a pathogenic variant c.848T>C in trans, displaying reduced enzyme levels (PM3 score = 1.0, PM3, PMID: 8845838). The computational predictor REVEL gives a score of 0.955, which is above the threshold of 0.75, evidence that correlates with impact to ACADVL function (PP3). This variant resides within a region defined as a mutational hotspot by the ClinGen ACADVL Variant Curation Expert Panel (PMID: 9973285, PM1). A different aminoacid change in the same codon (p.Arg366His, ClinVar ID: 203580) has been classified as likely pathogenic for VLCAD deficiency by the ClinGen ACADVL Variant Curation Expert Panel (PM5_Supporting). In summary, this variant meets the criteria to be classified as likely pathogenic for autosomal recessive very long chain acyl-CoA dehydrogenase (VLCAD) deficiency based on the ACMG/AMP criteria applied, as specified by the ClinGen ACADVL Variant Curation Expert Panel: PM3_Moderate, PP4_Moderate, PM2_Supporting, PP3_Supporting, PM5_supporting (ACADVL VCEP specifications version 1; approved November 9, 2021).

PreventionGenetics, part of Exact Sciences
Classification: Likely pathogenic for ACADVL-related condition. Last evaluated: 2026-08-14. Review status: criteria provided, single submitter. Criteria: ACMG Guidelines, 2015. Collection method: clinical testing. Allele origin: germline. Not counted in ClinVar's aggregate classification.
Comment: The ACADVL c.1096C>T variant is predicted to result in the amino acid substitution p.Arg366Cys. This variant, also referred to as p.Arg326Cys in the literature, has been reported in both the homozygous and compound heterozygous state in individuals with clinical and biochemical characteristics consistent with very long chain acyl-CoA dehydrogenase deficiency (VLCADD, Andresen et al. 1996. PubMed ID: 8845838; Antunes et al. 2013. PubMed ID: 24263034; Table S1, Maguolo et al. 2020. PubMed ID: 32793418; Table S1, Xie et al. 2025. PubMed ID: 41257776). This variant is located within a region defined as a hotspot for disease-causing variants (Andresen et al. 1999. PubMed ID: 9973285; Flowers et al. 2023. PubMed ID: 37549443) and an alternate nucleotide change affecting the same amino acid (p.Arg366His) has been reported in individuals with VLCADD (reported as R326H, Andresen et al., 1999. PubMed ID: 9973285; Gobin-Limballe et al. 2010. PubMed ID: 20060901). This variant is reported in 0.0062% of alleles in individuals of African descent in gnomAD and it is classified as likely pathogenic by the ClinGen ACADVL Variant Curation Expert Panel (Variation ID: 203579). Taken together, we interpret the c.1096C>T (p.Arg366Cys) variant as likely pathogenic.

Labcorp Genetics (formerly Invitae), Labcorp
Classification: Pathogenic for Very long chain acyl-CoA dehydrogenase deficiency. Last evaluated: 2026-01-13. Review status: criteria provided, single submitter. Criteria: Invitae Variant Classification Sherloc (09022015). Collection method: clinical testing. Allele origin: germline. Not counted in ClinVar's aggregate classification.
Comment: This sequence change replaces arginine, which is basic and polar, with cysteine, which is neutral and slightly polar, at codon 366 of the ACADVL protein (p.Arg366Cys). This variant is present in population databases (rs771874163, gnomAD 0.007%). This missense change has been observed in individual(s) with very long-chain acyl-CoA dehydrogenase deficiency (PMID: 8845838, 9973285, 21932095; internal data). In at least one individual the data is consistent with being in trans (on the opposite chromosome) from a pathogenic variant. This variant is also known as p.Arg326Cys. ClinVar contains an entry for this variant (Variation ID: 203579). Invitae Evidence Modeling of protein sequence and biophysical properties (such as structural, functional, and spatial information, amino acid conservation, physicochemical variation, residue mobility, and thermodynamic stability) indicates that this missense variant is expected to disrupt ACADVL protein function with a positive predictive value of 80%. This variant disrupts the p.Arg366 amino acid residue in ACADVL. Other variant(s) that disrupt this residue have been determined to be pathogenic (PMID: 16488171, 20060901, 24263034, 27246109). This suggests that this residue is clinically significant, and that variants that disrupt this residue are likely to be disease-causing. For these reasons, this variant has been classified as Pathogenic.

Mayo Clinic Laboratories, Mayo Clinic
Classification: Likely pathogenic. Last evaluated: 2025-09-02. Review status: criteria provided, single submitter. Criteria: ACMG Guidelines, 2015. Collection method: clinical testing. Allele origin: germline. Observed: 3 variant alleles. Not counted in ClinVar's aggregate classification.
Comment: PP3, PP4_moderate, PM2_supporting, PM3_supporting, PM5_supporting, PS3_supporting

Natera, Inc.
Classification: Likely pathogenic for Very long chain acyl-CoA dehydrogenase deficiency. Last evaluated: 2025-04-09. Review status: criteria provided, single submitter. Criteria: Natera Variant Classification Schema (03/2026). Collection method: clinical testing. Allele origin: germline. Not counted in ClinVar's aggregate classification.
Comment: The c.1096C>T variant in ACADVL is a missense variant predicted to cause substitution of arginine to cysteine at amino acid 366. This variant is rare in the general population with a frequency below the threshold expected for the associated phenotype(s). This variant has been observed in one or more individuals affected with the associated recessive disease, as either homozygous or compound heterozygous with a second variant (PMID: 8845838). A different variant at the same position has been determined to be Pathogenic or Likely Pathogenic. Computational prediction algorithms indicate this variant is likely to affect gene or protein function. Given the available evidence, this variant is classified as Likely Pathogenic.

GeneDx
Classification: Likely pathogenic. Last evaluated: 2025-03-05. Review status: criteria provided, single submitter. Criteria: GeneDx Variant Classification Process June 2021. Collection method: clinical testing. Allele origin: germline. Affected: yes. Not counted in ClinVar's aggregate classification.
Comment: In silico analysis supports that this missense variant has a deleterious effect on protein structure/function; Not observed at significant frequency in large population cohorts (gnomAD); Also known as p.(R326C); This variant is associated with the following publications: (PMID: 9973285, 8845838, 21932095, 26385305, 32793418, 31980526, 35400565)

Revvity Omics, Revvity
Classification: Likely pathogenic for Very long chain acyl-CoA dehydrogenase deficiency. Last evaluated: 2024-05-23. Review status: criteria provided, single submitter. Criteria: ACMG Guidelines, 2015. Collection method: clinical testing. Allele origin: germline. Not counted in ClinVar's aggregate classification.

Fulgent Genetics
Classification: Pathogenic for Very long chain acyl-CoA dehydrogenase deficiency. Last evaluated: 2024-05-09. Review status: criteria provided, single submitter. Criteria: ACMG Guidelines, 2015. Collection method: clinical testing. Allele origin: germline. Not counted in ClinVar's aggregate classification.

Baylor Genetics
Classification: Likely pathogenic for Very long chain acyl-CoA dehydrogenase deficiency. Last evaluated: 2024-03-28. Review status: criteria provided, single submitter. Criteria: ACMG Guidelines, 2015. Collection method: clinical testing. Allele origin: unknown. Not counted in ClinVar's aggregate classification.

NM_000018.4(ACADVL):c.1096C>T (p.Arg366Cys)

Gene: ACADVL (acyl-CoA dehydrogenase very long chain; plus strand). Cytogenetic location: 17p13.1.
Variant type: single nucleotide variant.
Coding change: c.1096C>T on transcript NM_000018.4 (MANE Select); coding-DNA position 1096, C replaced by T.
Protein change: p.Arg366Cys; replaces arginine 366 with cysteine.
Molecular consequence: missense variant.
Genome position (GRCh38, 1-based): chr17:7,223,151, C>T. VCF-style: chr17-7223151-C-T. GRCh37 (hg19) VCF-style: chr17-7126470-C-T.
Other names: p.R366C:CGT>TGT; NM_000018.4(ACADVL):c.1096C>T; c.1030C>T, p.Arg344Cys (NM_001033859.3); c.1165C>T, p.Arg389Cys (NM_001270447.2); c.868C>T, p.Arg290Cys (NM_001270448.2); short protein forms R366C, R344C, R290C, R389C.
Identifiers: ClinVar variation 203579 (VCV000203579.46), dbSNP rs771874163, ClinGen allele CA312264.